The following is an entry in ClinVar:

NM_001039112.2(FER1L6):c.4221-8G>C

Genes: FER1L6 (fer-1 like family member 6; plus strand), FER1L6-AS2 (FER1L6 antisense RNA 2; minus strand). Cytogenetic location: 8q24.13.
Variant type: single nucleotide variant.
Coding change: c.4221-8G>C on transcript NM_001039112.2 (MANE Select); 8 bases into the intron before coding-DNA position 4221, G replaced by C.
Molecular consequence: intron variant.
Genome position (GRCh38, 1-based): chr8:124,082,280, G>C. VCF-style: chr8-124082280-G-C. GRCh37 (hg19) VCF-style: chr8-125094521-G-C.
Identifiers: ClinVar variation 2658794 (VCV002658794.24), dbSNP rs200890539, ClinGen allele CA4869763.

ClinVar aggregate classification (germline): Likely benign (1 of 4 stars; one submission).

Allele frequency attached by ClinVar (database versions not stated): TOPMed 0.00006; gnomAD 0.00007; gnomAD exomes 0.00009; ExAC 0.00022; 1000 Genomes Project 30x 0.00031; 1000 Genomes Project 0.00040.
gnomAD v4.1: 161 of 1,609,532 alleles (0.01%); highest among the groups gnomAD compares: Middle Eastern, 0.43%; 1 homozygote.

Submission:

CeGaT Center for Human Genetics Tuebingen
Classification: Likely benign. Last evaluated: 2023-07-01. Review status: criteria provided, single submitter. Criteria: CeGaT Center For Human Genetics Tuebingen Variant Classification Criteria Version 2. Collection method: clinical testing. Allele origin: germline. Affected: yes. Observed: 1 variant allele.
Comment: FER1L6: BP4